The following is an entry in ClinVar:

ClinVar aggregate classification (germline): Conflicting classifications of pathogenicity. Review status: criteria provided, conflicting classifications (1 of 4 stars). 4 submissions from 4 submitters: Uncertain significance (1); Likely benign (3). Last evaluated 2026-01-12.

Conditions:
Lowe syndrome (OCRL). Also called: LOWE OCULOCEREBRORENAL SYNDROME; Oculocerebrorenal Syndrome; PHOSPHATIDYLINOSITOL 4,5-BISPHOSPHATE 5-PHOSPHATASE DEFICIENCY. Identifiers: Orphanet 534, MedGen C0028860, MONDO:0010645, OMIM 309000.

gnomAD v4.1: 20 of 1,210,540 alleles (0.0017%); highest among the groups gnomAD compares: Non-Finnish European, 0.002%; no homozygotes.

Submissions (4):

Labcorp Genetics (formerly Invitae), Labcorp
Classification: Likely benign for Lowe syndrome. Last evaluated: 2026-01-12. Review status: criteria provided, single submitter. Criteria: Invitae Variant Classification Sherloc (09022015). Collection method: clinical testing. Allele origin: germline.

CeGaT Center for Human Genetics Tuebingen
Classification: Likely benign. Last evaluated: 2024-01-01. Review status: criteria provided, single submitter. Criteria: CeGaT Center For Human Genetics Tuebingen Variant Classification Criteria Version 2. Collection method: clinical testing. Allele origin: germline. Affected: yes. Observed: 2 variant alleles.
Comment: OCRL: BP4, BP7

Blueprint Genetics
Classification: Likely benign. Last evaluated: 2022-12-23. Review status: criteria provided, single submitter. Criteria: ACMG Guidelines, 2015. Collection method: clinical testing. Allele origin: germline.

Genetic Services Laboratory, University of Chicago
Classification: Uncertain significance. Last evaluated: 2015-03-23. Review status: criteria provided, single submitter. Criteria: ACMG Guidelines, 2015. Collection method: clinical testing. Allele origin: germline.

NM_000276.4(OCRL):c.471T>G (p.Ser157=)

Gene: OCRL (OCRL inositol polyphosphate-5-phosphatase; plus strand). Cytogenetic location: Xq26.1.
Variant type: single nucleotide variant.
Coding change: c.471T>G on transcript NM_000276.4 (MANE Select); coding-DNA position 471, T replaced by G.
Protein change: p.Ser157=; no amino-acid change (serine 157 retained).
Molecular consequence: synonymous variant.
Genome position (GRCh38, 1-based): chrX:129,558,664, T>G. VCF-style: chrX-129558664-T-G. GRCh37 (hg19) VCF-style: chrX-128692641-T-G.
Other names: c.474T>G, p.Ser158= (NM_001318784.2); c.471T>G, p.Ser157= (NM_001587.4).
Identifiers: ClinVar variation 211782 (VCV000211782.38), dbSNP rs747396791, ClinGen allele CA205435.